The following is an entry in ClinVar:

NM_001365276.2(TNXB):c.5285G>A (p.Arg1762Gln)

Gene: TNXB (tenascin XB; minus strand). Cytogenetic location: 6p21.33.
Variant type: single nucleotide variant.
Coding change: c.5285G>A on transcript NM_001365276.2 (MANE Select); coding-DNA position 5285, G replaced by A.
Protein change: p.Arg1762Gln; replaces arginine 1762 with glutamine.
Molecular consequence: missense variant.
Genome position (GRCh38, 1-based): chr6:32,069,855, C>T on the plus strand (G>A on the coding strand, the complement: TNXB is on the minus strand). VCF-style: chr6-32069855-C-T. GRCh37 (hg19) VCF-style: chr6-32037632-C-T.
Other names: p.Arg1762Gln; c.5285G>A, p.Arg1762Gln (NM_019105.8); short protein forms R1762Q.
Identifiers: ClinVar variation 1746591 (VCV001746591.4), dbSNP rs547889326, ClinGen allele CA3734735.

ClinVar aggregate classification (germline): Conflicting classifications of pathogenicity. Review status: criteria provided, conflicting classifications (1 of 4 stars). 3 submissions from 3 submitters: Uncertain significance (2); Likely benign (1). Last evaluated 2025-03-11.

Conditions:
Cardiovascular phenotype. Identifiers: MedGen CN230736.

Allele frequency attached by ClinVar (database versions not stated): TOPMed 0.00004; ExAC 0.00001; gnomAD exomes 0.00002; gnomAD 0.00004.
gnomAD v4.1: 32 of 1,586,190 alleles (0.002%); highest among the groups gnomAD compares: African/African-American, 0.0054%; no homozygotes.

Submissions (3):

Mayo Clinic Laboratories, Mayo Clinic
Classification: Uncertain significance. Last evaluated: 2025-03-11. Review status: criteria provided, single submitter. Criteria: ACMG Guidelines, 2015. Collection method: clinical testing. Allele origin: germline. Observed: 1 variant allele.
Comment: BP4_strong, PM2_supporting

GeneDx
Classification: Uncertain significance. Last evaluated: 2022-11-14. Review status: criteria provided, single submitter. Criteria: GeneDx Variant Classification Process June 2021. Collection method: clinical testing. Allele origin: germline. Affected: yes.
Comment: Not observed at significant frequency in large population cohorts (gnomAD); In silico analysis supports that this missense variant does not alter protein structure/function; Has not been previously published as pathogenic or benign to our knowledge

Ambry Genetics
Classification: Likely benign for Cardiovascular phenotype. Last evaluated: 2021-06-22. Review status: criteria provided, single submitter. Criteria: Ambry Variant Classification Scheme 2023. Collection method: clinical testing. Allele origin: germline.